The following is an entry in ClinVar:

NM_000057.4(BLM):c.790G>T (p.Asp264Tyr)

Gene: BLM (BLM RecQ like helicase; plus strand). Cytogenetic location: 15q26.1.
Variant type: single nucleotide variant.
Coding change: c.790G>T on transcript NM_000057.4 (MANE Select); coding-DNA position 790, G replaced by T.
Protein change: p.Asp264Tyr; replaces aspartic acid 264 with tyrosine.
Molecular consequence: missense variant. On other transcripts: 5 prime UTR variant (1).
Genome position (GRCh38, 1-based): chr15:90,750,058, G>T. VCF-style: chr15-90750058-G-T. GRCh37 (hg19) VCF-style: chr15-91293288-G-T.
Other names: c.790G>T, p.Asp264Tyr (NM_001287246.2, NM_001287247.2); c.-502G>T (NM_001287248.2); short protein forms D264Y.
Identifiers: ClinVar variation 3480919 (VCV003480919.2).

ClinVar aggregate classification (germline): Uncertain significance. Review status: criteria provided, multiple submitters, no conflicts (2 of 4 stars). 2 submissions from 2 submitters: Uncertain significance (2). Last evaluated 2025-12-31.

Conditions:
Hereditary cancer-predisposing syndrome. Also called: Tumor predisposition; Neoplastic Syndromes, Hereditary; Hereditary Cancer Syndrome; Hereditary neoplastic syndrome. Identifiers: Orphanet 140162, MedGen C0027672, MeSH D009386, MONDO:0015356.
Bloom syndrome (BLM). Also called: Bloom-Torre-Machacek syndrome. Identifiers: Orphanet 125, MedGen C0005859, MONDO:0008876, OMIM 210900.

Submissions (2):

Labcorp Genetics (formerly Invitae), Labcorp
Classification: Uncertain significance for Bloom syndrome. Last evaluated: 2025-12-31. Review status: criteria provided, single submitter. Criteria: Invitae Variant Classification Sherloc (09022015). Collection method: clinical testing. Allele origin: germline.
Comment: This sequence change replaces aspartic acid, which is acidic and polar, with tyrosine, which is neutral and polar, at codon 264 of the BLM protein (p.Asp264Tyr). This variant is not present in population databases (gnomAD no frequency). This variant has not been reported in the literature in individuals affected with BLM-related conditions. ClinVar contains an entry for this variant (Variation ID: 3480919). An algorithm developed to predict the effect of missense changes on protein structure and function (PolyPhen-2) suggests that this variant is likely to be disruptive. In summary, the available evidence is currently insufficient to determine the role of this variant in disease. Therefore, it has been classified as a Variant of Uncertain Significance.

Ambry Genetics
Classification: Uncertain significance for Hereditary cancer-predisposing syndrome. Last evaluated: 2024-09-11. Review status: criteria provided, single submitter. Criteria: Ambry Variant Classification Scheme 2023. Collection method: clinical testing. Allele origin: germline.